The following is an entry in ClinVar:

NM_000245.4(MET):c.3467T>C (p.Val1156Ala)

Gene: MET (MET proto-oncogene, receptor tyrosine kinase; plus strand). Cytogenetic location: 7q31.2.
Variant type: single nucleotide variant.
Coding change: c.3467T>C on transcript NM_000245.4 (MANE Select); coding-DNA position 3467, T replaced by C.
Protein change: p.Val1156Ala; replaces valine 1156 with alanine.
Molecular consequence: missense variant.
Genome position (GRCh38, 1-based): chr7:116,778,902, T>C. VCF-style: chr7-116778902-T-C. GRCh37 (hg19) VCF-style: chr7-116418956-T-C.
Other names: c.3521T>C, p.Val1174Ala (NM_001127500.3); c.2177T>C, p.Val726Ala (NM_001324402.2); short protein forms V1156A, V1174A, V726A.
Identifiers: ClinVar variation 1470672 (VCV001470672.10), dbSNP rs2117047452, ClinGen allele CA368990213.

ClinVar aggregate classification (germline): Uncertain significance. Review status: criteria provided, multiple submitters, no conflicts (2 of 4 stars). 2 submissions from 2 submitters: Uncertain significance (2). Last evaluated 2025-06-09.

Conditions:
Hereditary cancer-predisposing syndrome. Also called: Tumor predisposition; Hereditary Cancer Syndrome; Hereditary neoplastic syndrome; Neoplastic Syndromes, Hereditary. Identifiers: Orphanet 140162, MedGen C0027672, MeSH D009386, MONDO:0015356.
Renal cell carcinoma. Identifiers: Orphanet 217071, MedGen C0007134, MeSH D002292, MONDO:0005086, HP:0005584.

Allele frequency attached by ClinVar (database versions not stated): gnomAD exomes below 0.00001.
gnomAD v4.1: 1 of 1,613,992 alleles (0.000062%); highest among the groups gnomAD compares: South Asian, 0.0011%; no homozygotes.

Submissions (2):

Labcorp Genetics (formerly Invitae), Labcorp
Classification: Uncertain significance for Renal cell carcinoma. Last evaluated: 2025-06-09. Review status: criteria provided, single submitter. Criteria: Invitae Variant Classification Sherloc (09022015). Collection method: clinical testing. Allele origin: germline.
Comment: This sequence change replaces valine, which is neutral and non-polar, with alanine, which is neutral and non-polar, at codon 1174 of the MET protein (p.Val1174Ala). This variant is not present in population databases (gnomAD no frequency). This variant has not been reported in the literature in individuals affected with MET-related conditions. ClinVar contains an entry for this variant (Variation ID: 1470672). Invitae Evidence Modeling of protein sequence and biophysical properties (such as structural, functional, and spatial information, amino acid conservation, physicochemical variation, residue mobility, and thermodynamic stability) indicates that this missense variant is expected to disrupt MET protein function with a positive predictive value of 80%. In summary, the available evidence is currently insufficient to determine the role of this variant in disease. Therefore, it has been classified as a Variant of Uncertain Significance.

Ambry Genetics
Classification: Uncertain significance for Hereditary cancer-predisposing syndrome. Last evaluated: 2022-05-13. Review status: criteria provided, single submitter. Criteria: Ambry Variant Classification Scheme 2023. Collection method: clinical testing. Allele origin: germline.
Comment: The p.V1174A variant (also known as c.3521T>C), located in coding exon 16 of the MET gene, results from a T to C substitution at nucleotide position 3521. The valine at codon 1174 is replaced by alanine, an amino acid with similar properties. This amino acid position is conserved. In addition, this alteration is predicted to be deleterious by in silico analysis. Since supporting evidence is limited at this time, the clinical significance of this alteration remains unclear.